The following is an entry in ClinVar:

NM_198428.3(BBS9):c.395A>G (p.Gln132Arg)

Gene: BBS9 (Bardet-Biedl syndrome 9; plus strand). Cytogenetic location: 7p14.3.
Variant type: single nucleotide variant.
Coding change: c.395A>G on transcript NM_198428.3 (MANE Select); coding-DNA position 395, A replaced by G.
Protein change: p.Gln132Arg; replaces glutamine 132 with arginine.
Molecular consequence: missense variant. On other transcripts: non-coding transcript variant (3).
Genome position (GRCh38, 1-based): chr7:33,177,544, A>G. VCF-style: chr7-33177544-A-G. GRCh37 (hg19) VCF-style: chr7-33217156-A-G.
Other names: c.395A>G, p.Gln132Arg (NM_001033604.2, NM_001033605.2, NM_001348036.1 and 5 more transcripts); c.29A>G, p.Gln10Arg (NM_001348037.3, NM_001348044.3, NM_001348045.3 and 1 more transcripts); c.122A>G, p.Gln41Arg (NM_001348038.3, NM_001348039.3); c.260A>G, p.Gln87Arg (NM_001348042.3); short protein forms Q10R, Q132R, Q41R, Q87R.
Identifiers: ClinVar variation 1024159 (VCV001024159.7), dbSNP rs542324847, ClinGen allele CA156709871.

ClinVar aggregate classification (germline): Uncertain significance. Review status: criteria provided, multiple submitters, no conflicts (2 of 4 stars). 2 submissions from 2 submitters: Uncertain significance (2). Last evaluated 2022-11-01.

Conditions:
Bardet-Biedl syndrome (BBS). Identifiers: Orphanet 110, MedGen C0752166, MONDO:0015229.

Allele frequency attached by ClinVar (database versions not stated): gnomAD exomes below 0.00001 and 0.00002; TOPMed below 0.00001; gnomAD 0.00001; 1000 Genomes Project 30x 0.00016; 1000 Genomes Project 0.00020.
gnomAD v4.1: 8 of 1,613,688 alleles (0.0005%); highest among the groups gnomAD compares: East Asian, 0.018%; no homozygotes.

Submissions (2):

Blueprint Genetics
Classification: Uncertain significance. Last evaluated: 2022-11-01. Review status: criteria provided, single submitter. Criteria: ACMG Guidelines, 2015. Collection method: clinical testing. Allele origin: germline.

Labcorp Genetics (formerly Invitae), Labcorp
Classification: Uncertain significance for Bardet-Biedl syndrome. Last evaluated: 2022-07-11. Review status: criteria provided, single submitter. Criteria: Invitae Variant Classification Sherloc (09022015). Collection method: clinical testing. Allele origin: germline.
Comment: This sequence change replaces glutamine, which is neutral and polar, with arginine, which is basic and polar, at codon 132 of the BBS9 protein (p.Gln132Arg). This variant is present in population databases (rs542324847, gnomAD 0.02%). This variant has not been reported in the literature in individuals affected with BBS9-related conditions. ClinVar contains an entry for this variant (Variation ID: 1024159). Algorithms developed to predict the effect of missense changes on protein structure and function are either unavailable or do not agree on the potential impact of this missense change (SIFT: "Deleterious"; PolyPhen-2: "Benign"; Align-GVGD: "Class C35"). In summary, the available evidence is currently insufficient to determine the role of this variant in disease. Therefore, it has been classified as a Variant of Uncertain Significance.